The following is an entry in ClinVar:

ClinVar aggregate classification (germline): Conflicting classifications of pathogenicity. Review status: criteria provided, conflicting classifications (1 of 4 stars). 3 submissions from 3 submitters: Uncertain significance (2); Likely benign (1). Last evaluated 2026-04-16.

Conditions:
Hereditary cancer-predisposing syndrome. Also called: Neoplastic Syndromes, Hereditary; Hereditary Cancer Syndrome; Tumor predisposition; Hereditary neoplastic syndrome. Identifiers: Orphanet 140162, MedGen C0027672, MeSH D009386, MONDO:0015356.
Cardiovascular phenotype. Identifiers: MedGen CN230736.
Neurofibromatosis, type 1 (NF1). Also called: Neurofibromatosis, type I; NEUROFIBROMATOSIS, TYPE I, SOMATIC; VON RECKLINGHAUSEN DISEASE; Peripheral type neurofibromatosis. Identifiers: Orphanet 636, MedGen C0027831, MONDO:0018975, OMIM 162200. Disease mechanism: loss of function.

Allele frequency attached by ClinVar (database versions not stated): gnomAD exomes below 0.00001.
gnomAD v4.1: 1 of 1,613,754 alleles (0.000062%); highest among the groups gnomAD compares: East Asian, 0.0022%; no homozygotes.

Submissions (3):

Ambry Genetics
Classification: Likely benign for Cardiovascular phenotype; Hereditary cancer-predisposing syndrome. Last evaluated: 2026-04-16. Review status: criteria provided, single submitter. Criteria: Ambry Variant Classification Scheme 2023. Collection method: clinical testing. Allele origin: germline.

GeneDx
Classification: Uncertain significance. Last evaluated: 2026-01-30. Review status: criteria provided, single submitter. Criteria: GeneDx Variant Classification Process June 2021. Collection method: clinical testing. Allele origin: germline.
Comment: Not observed at significant frequency in large population cohorts (gnomAD); In silico analysis suggests that this missense variant does not alter protein structure/function; Has not been previously published as pathogenic or benign to our knowledge; This variant is associated with the following publications: (PMID: 25486365)

Labcorp Genetics (formerly Invitae), Labcorp
Classification: Uncertain significance for Neurofibromatosis, type 1. Last evaluated: 2025-09-22. Review status: criteria provided, single submitter. Criteria: Invitae Variant Classification Sherloc (09022015). Collection method: clinical testing. Allele origin: germline.
Comment: This sequence change replaces methionine, which is neutral and non-polar, with isoleucine, which is neutral and non-polar, at codon 643 of the NF1 protein (p.Met643Ile). This variant is not present in population databases (gnomAD no frequency). This variant has not been reported in the literature in individuals affected with NF1-related conditions. ClinVar contains an entry for this variant (Variation ID: 1392734). Invitae Evidence Modeling of protein sequence and biophysical properties (such as structural, functional, and spatial information, amino acid conservation, physicochemical variation, residue mobility, and thermodynamic stability) indicates that this missense variant is not expected to disrupt NF1 protein function with a negative predictive value of 95%. In summary, the available evidence is currently insufficient to determine the role of this variant in disease. Therefore, it has been classified as a Variant of Uncertain Significance.

NM_001042492.3(NF1):c.1929G>A (p.Met643Ile)

Gene: NF1 (neurofibromin 1; plus strand). Cytogenetic location: 17q11.2.
Variant type: single nucleotide variant.
Coding change: c.1929G>A on transcript NM_001042492.3 (MANE Select); coding-DNA position 1929, G replaced by A.
Protein change: p.Met643Ile; replaces methionine 643 with isoleucine.
Molecular consequence: missense variant.
Genome position (GRCh38, 1-based): chr17:31,225,178, G>A. VCF-style: chr17-31225178-G-A. GRCh37 (hg19) VCF-style: chr17-29552196-G-A.
Other names: c.1929G>A, p.Met643Ile (NM_000267.4); short protein forms M643I.
Identifiers: ClinVar variation 1392734 (VCV001392734.11), dbSNP rs2144026901, ClinGen allele CA399005367.